The following is an entry in ClinVar:

NM_001845.6(COL4A1):c.919C>T (p.Pro307Ser)

Gene: COL4A1 (collagen type IV alpha 1 chain; minus strand). Cytogenetic location: 13q34.
Variant type: single nucleotide variant.
Coding change: c.919C>T on transcript NM_001845.6 (MANE Select); coding-DNA position 919, C replaced by T.
Protein change: p.Pro307Ser; replaces proline 307 with serine.
Molecular consequence: missense variant.
Genome position (GRCh38, 1-based): chr13:110,205,391, G>A on the plus strand (C>T on the coding strand, the complement: COL4A1 is on the minus strand). VCF-style: chr13-110205391-G-A. GRCh37 (hg19) VCF-style: chr13-110857738-G-A.
Other names: c.919C>T, p.Pro307Ser (NM_001303110.2); short protein forms P307S.
Identifiers: ClinVar variation 2194994 (VCV002194994.6), dbSNP rs749170631, ClinGen allele CA7048218.
Genomic context (GRCh38, chr13:110,205,391, plus strand): 5'-TCACAATAGTGCCAGCGTTTACCTGCGGGCCCTGGCGGCCTATGAGTCCTGGGTACCCGG[G>A]TTCACCAGGAAAACCCTGAAACCGAAGAGAGAAGCAGTAACCGTCAGAGGCCAGTGGTAG-3'
Protein context (NP_001836.3, residues 297-317): EKGSPGFPGE[Pro307Ser]GYPGLIGRQG

ClinVar aggregate classification (germline): Uncertain significance. Review status: criteria provided, multiple submitters, no conflicts (2 of 4 stars). 3 submissions from 3 submitters: Uncertain significance (3). Last evaluated 2025-08-17.

Conditions:
Retinal arterial tortuosity. Also called: Retinal arteries, tortuosity of; RETINAL HEMORRHAGE WITH VASCULAR TORTUOSITY. Identifiers: Orphanet 75326, MedGen C0423401, MONDO:0008373, OMIM 180000, HP:0000631.
Microangiopathy and leukoencephalopathy, pontine, autosomal dominant. Also called: DEMENTIA, HEREDITARY MULTI-INFARCT, SWEDISH TYPE; Pontine autosomal dominant microangiopathy with leukoencephalopathy. Identifiers: Orphanet 477749, MedGen C5231411, MONDO:0032814, OMIM 618564.
Autosomal dominant familial hematuria-retinal arteriolar tortuosity-contractures syndrome. Also called: Angiopathy, hereditary, with nephropathy, aneurysms, and muscle cramps; Hereditary Angiopathy with Nephropathy, Aneurysms, and Muscle Cramps (HANAC) Syndrome. Identifiers: Orphanet 73229, MedGen C2673195, MONDO:0012726, OMIM 611773.
Brain small vessel disease 1 with or without ocular anomalies (BSVD1). Also called: PORENCEPHALY, TYPE 1, AUTOSOMAL DOMINANT; GOULD SYNDROME 1; Brain small vessel disease with or without ocular anomalies; BRAIN SMALL VESSEL DISEASE WITH HEMORRHAGE. Identifiers: Orphanet 2940, Orphanet 36383, Orphanet 99810, MedGen C4755307, MONDO:0008289, OMIM 175780.
Hemorrhage, intracerebral, susceptibility to (ICH). Also called: Stroke, hemorrhagic, susceptibility to. Identifiers: MedGen C3281105, MONDO:0100533, OMIM 614519.

Allele frequency attached by ClinVar (database versions not stated): ExAC 0.00001; gnomAD exomes 0.00001; gnomAD 0.00003; TOPMed 0.00003.

Submissions (3):

Labcorp Genetics (formerly Invitae), Labcorp
Classification: Uncertain significance. Last evaluated: 2025-08-17. Review status: criteria provided, single submitter. Criteria: Invitae Variant Classification Sherloc (09022015). Collection method: clinical testing. Allele origin: germline.
Comment: This sequence change replaces proline, which is neutral and non-polar, with serine, which is neutral and polar, at codon 307 of the COL4A1 protein (p.Pro307Ser). This variant is present in population databases (rs749170631, gnomAD 0.004%). This variant has not been reported in the literature in individuals affected with COL4A1-related conditions. ClinVar contains an entry for this variant (Variation ID: 2194994). Invitae Evidence Modeling of protein sequence and biophysical properties (such as structural, functional, and spatial information, amino acid conservation, physicochemical variation, residue mobility, and thermodynamic stability) indicates that this missense variant is not expected to disrupt COL4A1 protein function with a negative predictive value of 95%. In summary, the available evidence is currently insufficient to determine the role of this variant in disease. Therefore, it has been classified as a Variant of Uncertain Significance.

Revvity Omics, Revvity
Classification: Uncertain significance. Last evaluated: 2024-11-20. Review status: criteria provided, single submitter. Criteria: ACMG Guidelines, 2015. Collection method: clinical testing. Allele origin: germline.

Fulgent Genetics
Classification: Uncertain significance for Brain small vessel disease 1 with or without ocular anomalies; Retinal arterial tortuosity; Autosomal dominant familial hematuria-retinal arteriolar tortuosity-contractures syndrome; Hemorrhage, intracerebral, susceptibility to; Microangiopathy and leukoencephalopathy, pontine, autosomal dominant. Last evaluated: 2024-04-11. Review status: criteria provided, single submitter. Criteria: ACMG Guidelines, 2015. Collection method: clinical testing. Allele origin: germline.